The following is an entry in ClinVar:

ClinVar aggregate classification (germline): Uncertain significance. Review status: criteria provided, multiple submitters, no conflicts (2 of 4 stars). 3 submissions from 2 submitters: Uncertain significance (3). Last evaluated 2022-11-25.

Conditions:
Multisystemic smooth muscle dysfunction syndrome (SMDYS). Also called: MYDRIASIS, CONGENITAL, WITH PATENT DUCTUS ARTERIOSUS, THORACIC AORTIC ANEURYSM, AND VASCULOPATHY; SMOOTH MUSCLE DYSFUNCTION SYNDROME. Identifiers: Orphanet 404463, MedGen C3151201, MONDO:0013452, OMIM 613834.
Aortic aneurysm, familial thoracic 6 (AAT6). Also called: FAMILIAL THORACIC AORTIC ANEURYSM WITH LIVEDO RETICULARIS AND IRIS FLOCCULI. Identifiers: MedGen C2673186, MONDO:0012730, OMIM 611788.

Allele frequency attached by ClinVar (database versions not stated): TOPMed below 0.00001; gnomAD 0.00001.
gnomAD v4.1: 2 of 1,613,738 alleles (0.00012%); highest among the groups gnomAD compares: Non-Finnish European, 0.00017%; no homozygotes.

Submissions (3):

GeneDx
Classification: Uncertain significance. Last evaluated: 2022-11-25. Review status: criteria provided, single submitter. Criteria: GeneDx Variant Classification Process June 2021. Collection method: clinical testing. Allele origin: germline. Affected: yes.
Comment: Reported in association with hereditary thoracic aortic disease in published literature (Overwater et al. 2018); Not observed at significant frequency in large population cohorts (gnomAD); In silico analysis supports that this missense variant does not alter protein structure/function; This variant is associated with the following publications: (PMID: 29907982, 36053285)

Illumina Laboratory Services, Illumina
Classification: Uncertain significance for Multisystemic smooth muscle dysfunction syndrome. Last evaluated: 2018-01-13. Review status: criteria provided, single submitter. Criteria: ICSL Variant Classification Criteria 13 December 2019. Collection method: clinical testing. Allele origin: germline.

Illumina Laboratory Services, Illumina
Classification: Uncertain significance for Aortic aneurysm, familial thoracic 6. Last evaluated: 2018-01-13. Review status: criteria provided, single submitter. Criteria: ICSL Variant Classification Criteria 13 December 2019. Collection method: clinical testing. Allele origin: germline.

NM_001613.4(ACTA2):c.13G>C (p.Glu5Gln)

Gene: ACTA2 (actin alpha 2, smooth muscle; minus strand). Cytogenetic location: 10q23.31.
Variant type: single nucleotide variant.
Coding change: c.13G>C on transcript NM_001613.4 (MANE Select); coding-DNA position 13, G replaced by C.
Protein change: p.Glu5Gln; replaces glutamic acid 5 with glutamine.
Molecular consequence: missense variant.
Genome position (GRCh38, 1-based): chr10:88,948,918, C>G on the plus strand (G>C on the coding strand, the complement: ACTA2 is on the minus strand). VCF-style: chr10-88948918-C-G. GRCh37 (hg19) VCF-style: chr10-90708675-C-G.
Other names: c.13G>C, p.Glu5Gln (NM_001141945.3, NM_001320855.2, NM_001406462.1 and 7 more transcripts); short protein forms E5Q.
Identifiers: ClinVar variation 301511 (VCV000301511.8), dbSNP rs886047453, ClinGen allele CA10629419.